The following is an entry in ClinVar:

ClinVar aggregate classification (germline): Uncertain significance (1 of 4 stars; one submission).

Conditions:
DICER1-related tumor predisposition. Also called: DICER1 syndrome; DICER1-related pleuropulmonary blastoma cancer predisposition syndrome. Identifiers: Orphanet 284343, MedGen C3839822, MONDO:0100216.

Submission:

Labcorp Genetics (formerly Invitae), Labcorp
Classification: Uncertain significance for DICER1-related tumor predisposition. Last evaluated: 2018-12-27. Review status: criteria provided, single submitter. Criteria: Invitae Variant Classification Sherloc (09022015). Collection method: clinical testing. Allele origin: germline.
Comment: This sequence change replaces tyrosine with aspartic acid at codon 543 of the DICER1 protein (p.Tyr543Asp). The tyrosine residue is highly conserved and there is a large physicochemical difference between tyrosine and aspartic acid. This variant is not present in population databases (ExAC no frequency). This variant has not been reported in the literature in individuals with DICER1-related conditions. Algorithms developed to predict the effect of missense changes on protein structure and function (SIFT, PolyPhen-2, Align-GVGD) all suggest that this variant is likely to be disruptive, but these predictions have not been confirmed by published functional studies and their clinical significance is uncertain. In summary, the available evidence is currently insufficient to determine the role of this variant in disease. Therefore, it has been classified as a Variant of Uncertain Significance.

NM_177438.3(DICER1):c.1627T>G (p.Tyr543Asp)

Gene: DICER1 (dicer 1, ribonuclease III; minus strand). Cytogenetic location: 14q32.13.
Variant type: single nucleotide variant.
Coding change: c.1627T>G on transcript NM_177438.3 (MANE Select); coding-DNA position 1627, T replaced by G.
Protein change: p.Tyr543Asp; replaces tyrosine 543 with aspartic acid.
Molecular consequence: missense variant.
Genome position (GRCh38, 1-based): chr14:95,116,578, A>C on the plus strand (T>G on the coding strand, the complement: DICER1 is on the minus strand). VCF-style: chr14-95116578-A-C. GRCh37 (hg19) VCF-style: chr14-95582915-A-C.
Other names: c.1627T>G, p.Tyr543Asp (NM_001195573.1, NM_001271282.3, NM_001291628.2 and 1 more transcripts); short protein forms Y543D.
Identifiers: ClinVar variation 658819 (VCV000658819.10), dbSNP rs1595411284, ClinGen allele CA390884924.